The following is an entry in ClinVar:

NM_001283009.2(RTEL1):c.187C>T (p.Leu63Phe)

Genes: RTEL1 (regulator of telomere elongation helicase 1; plus strand), RTEL1-TNFRSF6B (RTEL1-TNFRSF6B readthrough (NMD candidate); plus strand). Cytogenetic location: 20q13.33.
Variant type: single nucleotide variant.
Coding change: c.187C>T on transcript NM_001283009.2 (MANE Select); coding-DNA position 187, C replaced by T.
Protein change: p.Leu63Phe; replaces leucine 63 with phenylalanine.
Molecular consequence: missense variant. On other transcripts: non-coding transcript variant (1), 5 prime UTR variant (1).
Genome position (GRCh38, 1-based): chr20:63,661,382, C>T. VCF-style: chr20-63661382-C-T. GRCh37 (hg19) VCF-style: chr20-62292735-C-T.
Other names: c.-483C>T (NM_001283010.1); c.187C>T, p.Leu63Phe (NM_016434.4, NM_032957.5); short protein forms L63F.
Identifiers: ClinVar variation 3435946 (VCV003435946.3).

ClinVar aggregate classification (germline): Uncertain significance. Review status: criteria provided, multiple submitters, no conflicts (2 of 4 stars). 2 submissions from 2 submitters: Uncertain significance (2). Last evaluated 2025-12-10.

Conditions:
Pulmonary fibrosis and/or bone marrow failure, Telomere-related, 3. Also called: PULMONARY FIBROSIS AND/OR BONE MARROW FAILURE SYNDROME, TELOMERE-RELATED, 3. Identifiers: Orphanet 2032, MedGen C4225346, MONDO:0014613, OMIM 616373.
Dyskeratosis congenita, autosomal recessive 5 (DKCB5). Identifiers: MedGen C3554656, MONDO:0014076, OMIM 615190.
Inborn genetic diseases. Identifiers: MedGen C0950123, MeSH D030342.

Submissions (2):

Labcorp Genetics (formerly Invitae), Labcorp
Classification: Uncertain significance for Dyskeratosis congenita, autosomal recessive 5; Pulmonary fibrosis and/or bone marrow failure, Telomere-related, 3. Last evaluated: 2025-12-10. Review status: criteria provided, single submitter. Criteria: Invitae Variant Classification Sherloc (09022015). Collection method: clinical testing. Allele origin: germline.
Comment: This sequence change replaces leucine, which is neutral and non-polar, with phenylalanine, which is neutral and non-polar, at codon 63 of the RTEL1 protein (p.Leu63Phe). This variant is not present in population databases (gnomAD no frequency). This variant has not been reported in the literature in individuals affected with RTEL1-related conditions. ClinVar contains an entry for this variant (Variation ID: 3435946). An algorithm developed to predict the effect of missense changes on protein structure and function outputs the following: PolyPhen-2: "Benign". The phenylalanine amino acid residue is found in multiple mammalian species, which suggests that this missense change does not adversely affect protein function. In summary, the available evidence is currently insufficient to determine the role of this variant in disease. Therefore, it has been classified as a Variant of Uncertain Significance.

Ambry Genetics
Classification: Uncertain significance for Inborn genetic diseases. Last evaluated: 2024-11-21. Review status: criteria provided, single submitter. Criteria: Ambry Variant Classification Scheme 2023. Collection method: clinical testing. Allele origin: germline.
Comment: The p.L63F variant (also known as c.187C>T), located in coding exon 2 of the RTEL1 gene, results from a C to T substitution at nucleotide position 187. The leucine at codon 63 is replaced by phenylalanine, an amino acid with highly similar properties. This amino acid position is conserved. In addition, this alteration is predicted to be tolerated by in silico analysis. Based on the available evidence, the clinical significance of this variant remains unclear.